The following is an entry in ClinVar:

NC_000001.11:g.(?_119768721)_(119768864_?)del

Gene: HMGCS2 (3-hydroxy-3-methylglutaryl-CoA synthase 2; minus strand). Cytogenetic location: 1p12.
Variant type: Deletion.
Identifiers: ClinVar variation 832206 (VCV000832206.1).

ClinVar aggregate classification (germline): Pathogenic (1 of 4 stars; one submission).

Conditions:
3-hydroxy-3-methylglutaryl-CoA synthase deficiency (HMGCS2D). Also called: HMG-CoA synthase-2 deficiency; MITOCHONDRIAL HMG-CoA SYNTHASE DEFICIENCY; HMGCS2 DEFICIENCY. Identifiers: Orphanet 35701, MedGen C2751532, MONDO:0011614, OMIM 605911.

Submission:

Labcorp Genetics (formerly Invitae), Labcorp
Classification: Pathogenic for mitochondrial 3-hydroxy-3-methylglutaryl-CoA synthase deficiency. Last evaluated: 2019-11-18. Review status: criteria provided, single submitter. Criteria: Invitae Variant Classification Sherloc (09022015). Collection method: clinical testing. Allele origin: germline.
Comment: This variant is a gross deletion of the genomic region encompassing exon 1 of the HMGCS2 gene, which includes the initiator codon. The 5' end of this event is unknown as it extends beyond the assayed region for this gene and therefore may encompass additional genes. The 3' boundary is likely confined to intron 1 of the HMGCS2 gene. This is expected to result in an absent or disrupted protein product. This variant has been observed in individual(s) with clinical features of HMG-CoA synthase-2 deficiency (Invitae). In at least one individual the data is consistent with the variant being in trans (on the opposite chromosome) from a pathogenic variant. Loss-of-function variants in HMGCS2 are known to be pathogenic (PMID: 20346956, 23751782, 25511235). For these reasons, this variant has been classified as Pathogenic.